The following is an entry in ClinVar:

NM_001367823.1(ARHGEF18):c.3197A>G (p.Glu1066Gly)

Gene: ARHGEF18 (Rho/Rac guanine nucleotide exchange factor 18; plus strand). Cytogenetic location: 19p13.2.
Variant type: single nucleotide variant.
Coding change: c.3197A>G on transcript NM_001367823.1 (MANE Select); coding-DNA position 3197, A replaced by G.
Protein change: p.Glu1066Gly; replaces glutamic acid 1066 with glycine.
Molecular consequence: missense variant.
Genome position (GRCh38, 1-based): chr19:7,467,401, A>G. VCF-style: chr19-7467401-A-G. GRCh37 (hg19) VCF-style: chr19-7532287-A-G.
Other names: c.2471A>G, p.Glu824Gly (NM_001130955.2); c.2159A>G, p.Glu720Gly (NM_001367824.1, NM_015318.4); short protein forms E824G, E720G, E1066G.
Identifiers: ClinVar variation 1473008 (VCV001473008.8), dbSNP rs2145911162, ClinGen allele CA403087878.

ClinVar aggregate classification (germline): Uncertain significance (1 of 4 stars; one submission).

Submission:

Labcorp Genetics (formerly Invitae), Labcorp
Classification: Uncertain significance. Last evaluated: 2021-04-27. Review status: criteria provided, single submitter. Criteria: Invitae Variant Classification Sherloc (09022015). Collection method: clinical testing. Allele origin: germline.
Comment: The frequency data for this variant in the population databases is considered unreliable, as metrics indicate insufficient coverage at this position in the ExAC database. In summary, the available evidence is currently insufficient to determine the role of this variant in disease. Therefore, it has been classified as a Variant of Uncertain Significance. Algorithms developed to predict the effect of missense changes on protein structure and function are either unavailable or do not agree on the potential impact of this missense change (SIFT: "Deleterious"; PolyPhen-2: "Possibly Damaging"; Align-GVGD: "Class C0"). This variant has not been reported in the literature in individuals with ARHGEF18-related conditions. This sequence change replaces glutamic acid with glycine at codon 878 of the ARHGEF18 protein (p.Glu878Gly). The glutamic acid residue is highly conserved and there is a moderate physicochemical difference between glutamic acid and glycine.